The following is an entry in ClinVar:

NM_021954.4(GJA3):c.227G>A (p.Arg76His)

Gene: GJA3 (gap junction protein alpha 3; minus strand). Cytogenetic location: 13q12.11.
Variant type: single nucleotide variant.
Coding change: c.227G>A on transcript NM_021954.4 (MANE Select); coding-DNA position 227, G replaced by A.
Protein change: p.Arg76His; replaces arginine 76 with histidine.
Molecular consequence: missense variant.
Genome position (GRCh38, 1-based): chr13:20,143,062, C>T on the plus strand (G>A on the coding strand, the complement: GJA3 is on the minus strand). VCF-style: chr13-20143062-C-T. GRCh37 (hg19) VCF-style: chr13-20717201-C-T.
Other names: short protein forms R76H.
Identifiers: ClinVar variation 16981 (VCV000016981.4), dbSNP rs121917827, ClinGen allele CA214973.

ClinVar aggregate classification (germline): Pathogenic/Likely pathogenic. Review status: criteria provided, multiple submitters, no conflicts (2 of 4 stars). 4 submissions from 4 submitters: Pathogenic (1); Likely pathogenic (2). 1 of the submissions does not count toward it. Last evaluated 2026-05-05.

Conditions:
Bilateral congenital or childhood onset cataracts.
GJA3-related disorders.
Cataract 14 multiple types. Also called: CATARACT 14, ZONULAR PULVERULENT; CATARACT 14, NUCLEAR PULVERULENT; CATARACT 14, NUCLEAR PULVERULENT AND POSTERIOR POLAR; CATARACT 14, NUCLEAR CORALLIFORM; CATARACT 14, EMBRYONAL NUCLEAR; CATARACT 14, COPPOCK-LIKE. Identifiers: Orphanet 91492, MedGen C1866078, MONDO:0011162, OMIM 601885.

Allele frequency attached by ClinVar (database versions not stated): gnomAD exomes below 0.00001; TOPMed 0.00001.
gnomAD v4.1: 2 of 1,613,770 alleles (0.00012%); highest among the groups gnomAD compares: Non-Finnish European, 0.00017%; no homozygotes.

Submissions (4):

North West Genomic Laboratory Hub, Manchester University NHS Foundation Trust
Classification: Likely pathogenic for Bilateral congenital or childhood onset cataracts. Last evaluated: 2026-05-05. Review status: criteria provided, single submitter. Criteria: ACGS Best Practice Guidelines for Variant Classification in Rare Disease 2024. Collection method: clinical testing. Allele origin: germline. Affected: yes.
Comment: PS4_Mod PP3_Supp PP1_Mod PM1_Supp PM2_Mod PP4_Supp

Dept. Genetics and Cancer, Menzies Institute for Medical Research, University of Tasmania
Classification: Likely pathogenic for Cataract 14 multiple types. Last evaluated: 2023-01-21. Review status: criteria provided, single submitter. Criteria: ACMG Guidelines, 2015. Collection method: curation. Allele origin: germline. Affected: yes.
Comment: Variant identified and curated during a GJA3 specific review of the literature in relation to pediatric or congenital cataract. ACMG-AMP criteria applied: PP1(Strong), PM1, PS4(Supporting), PM2(Supporting), PP3. Original variant report: PMID:15286166;19182255. The cataract phenotype/s reported for this variant are: Pulverulent nuclear and some with cortical lamellar opacity, and Nuclear with lamellar and anterior Y-sutural opacity. Gene review and curation guidelines are outlined in: DOI 10.1080/17469899.2023.2160320

Blueprint Genetics
Classification: Pathogenic for GJA3-related disorders. Last evaluated: 2020-01-13. Review status: criteria provided, single submitter. Criteria: ACMG Guidelines, 2015. Collection method: clinical testing. Allele origin: germline. Affected: yes. Observed: 3 variant alleles.

OMIM
Classification: Pathogenic for CATARACT 14, ZONULAR PULVERULENT. Last evaluated: 2004-08-01. Review status: no assertion criteria provided. Collection method: literature only. Allele origin: germline. Not counted in ClinVar's aggregate classification.

Literature cited by the submitters: PubMed 15286166 (cited by Dept. Genetics and Cancer, Menzies Institute for Medical Research, University of Tasmania and OMIM); PubMed 19182255 (cited by Dept. Genetics and Cancer, Menzies Institute for Medical Research, University of Tasmania).